The following is an entry in ClinVar:

NM_020822.3(KCNT1):c.3178-3C>T

Gene: KCNT1 (potassium sodium-activated channel subfamily T member 1; plus strand). Cytogenetic location: 9q34.3.
Variant type: single nucleotide variant.
Coding change: c.3178-3C>T on transcript NM_020822.3 (MANE Select); 3 bases into the intron before coding-DNA position 3178, C replaced by T.
Molecular consequence: intron variant.
Genome position (GRCh38, 1-based): chr9:135,786,194, C>T. VCF-style: chr9-135786194-C-T. GRCh37 (hg19) VCF-style: chr9-138678040-C-T.
Other names: c.3043-3C>T (NM_001272003.2).
Identifiers: ClinVar variation 588889 (VCV000588889.5), dbSNP rs1564393740, ClinGen allele CA891842490.

ClinVar aggregate classification (germline): Uncertain significance (1 of 4 stars; one submission).

Conditions:
Inborn genetic diseases. Identifiers: MedGen C0950123, MeSH D030342.

Allele frequency attached by ClinVar (database versions not stated): gnomAD exomes below 0.00001.
gnomAD v4.1: 1 of 1,608,572 alleles (0.000062%); highest among the groups gnomAD compares: African/African-American, 0.0013%; no homozygotes.

Submission:

Ambry Genetics
Classification: Uncertain significance for Inborn genetic diseases. Last evaluated: 2017-03-14. Review status: criteria provided, single submitter. Criteria: Ambry Variant Classification Scheme 2023. Collection method: clinical testing. Allele origin: germline.
Comment: The c.3178-3C>T intronic variant results from a C to T substitution 3 nucleotides upstream from coding exon 29 in the KCNT1 gene. This nucleotide position is well conserved in available vertebrate species. Using the BDGP and ESEfinder splice site prediction tools, this alteration is not predicted to have any significant effect on this splice acceptor site; however, direct evidence is unavailable. Since supporting evidence is limited at this time, the clinical significance of this alteration remains unclear.